The following is an entry in ClinVar:

ClinVar aggregate classification (germline): Benign/Likely benign. Review status: criteria provided, multiple submitters, no conflicts (2 of 4 stars). 7 submissions from 7 submitters: Benign (4); Likely benign (2). 1 of the submissions does not count toward it. Last evaluated 2026-01-29.

Conditions:
SLX4-related disorder. Also called: SLX4-related condition.
Fanconi anemia complementation group P. Also called: SLX4-Related Fanconi Anemia. Identifiers: Orphanet 84, MedGen C3469542, MONDO:0013499, OMIM 613951.
Fanconi anemia (FA). Also called: Fanconi's anemia. Identifiers: Orphanet 84, MedGen C0015625, MeSH D005199, MONDO:0019391.

Allele frequency attached by ClinVar (database versions not stated): gnomAD exomes 0.00069; ExAC 0.00168; 1000 Genomes Project 0.00280; 1000 Genomes Project 30x 0.00297; ESP Exome Variant Server 0.00297; gnomAD 0.00309 and 0.00333; TOPMed 0.00329.
gnomAD v4.1: 885 of 1,566,098 alleles (0.057%); highest among the groups gnomAD compares: African/African-American, 1%; 3 homozygotes.

Submissions (7):

Labcorp Genetics (formerly Invitae), Labcorp
Classification: Benign for Fanconi anemia. Last evaluated: 2026-01-29. Review status: criteria provided, single submitter. Criteria: Invitae Variant Classification Sherloc (09022015). Collection method: clinical testing. Allele origin: germline.

CeGaT Center for Human Genetics Tuebingen
Classification: Likely benign. Last evaluated: 2025-01-01. Review status: criteria provided, single submitter. Criteria: CeGaT Center For Human Genetics Tuebingen Variant Classification Criteria Version 2. Collection method: clinical testing. Allele origin: germline. Affected: yes. Observed: 2 variant alleles.
Comment: SLX4: BP4, BS1

Blueprint Genetics
Classification: Likely benign. Last evaluated: 2024-10-09. Review status: criteria provided, single submitter. Criteria: ACMG Guidelines, 2015. Collection method: clinical testing. Allele origin: germline.

KCCC/NGS Laboratory, Kuwait Cancer Control Center
Classification: Benign for Fanconi anemia complementation group P. Last evaluated: 2023-07-07. Review status: criteria provided, single submitter. Criteria: ACMG Guidelines, 2015. Collection method: clinical testing. Allele origin: germline. Affected: yes.

Genetic Services Laboratory, University of Chicago
Classification: Benign. Last evaluated: 2021-05-26. Review status: criteria provided, single submitter. Criteria: ACMG Guidelines, 2015. Collection method: clinical testing. Allele origin: germline. Affected: no.

Breakthrough Genomics
Classification: Benign. Review status: criteria provided, single submitter. Criteria: ACMG Guidelines, 2015. Collection method: not provided. Allele origin: germline. Inheritance: Autosomal recessive inheritance. Affected: yes.

PreventionGenetics, part of Exact Sciences
Classification: Benign for SLX4-related condition. Last evaluated: 2020-02-19. Review status: no assertion criteria provided. Collection method: clinical testing. Allele origin: germline. Not counted in ClinVar's aggregate classification.
Comment: This variant is classified as benign based on ACMG/AMP sequence variant interpretation guidelines (Richards et al. 2015 PMID: 25741868, with internal and published modifications).

NM_032444.4(SLX4):c.1802C>T (p.Ser601Leu)

Gene: SLX4 (SLX4 structure-specific endonuclease subunit; minus strand). Cytogenetic location: 16p13.3.
Variant type: single nucleotide variant.
Coding change: c.1802C>T on transcript NM_032444.4 (MANE Select); coding-DNA position 1802, C replaced by T.
Protein change: p.Ser601Leu; replaces serine 601 with leucine.
Molecular consequence: missense variant.
Genome position (GRCh38, 1-based): chr16:3,596,275, G>A on the plus strand (C>T on the coding strand, the complement: SLX4 is on the minus strand). VCF-style: chr16-3596275-G-A. GRCh37 (hg19) VCF-style: chr16-3646276-G-A.
Other names: c.1802C>T (LRG_503t1); short protein forms S601L.
Identifiers: ClinVar variation 414729 (VCV000414729.43), dbSNP rs59706816, ClinGen allele CA7866405.